The following is an entry in ClinVar:

NM_174936.4(PCSK9):c.553C>G (p.Leu185Val)

Gene: PCSK9 (proprotein convertase subtilisin/kexin type 9; plus strand). Cytogenetic location: 1p32.3.
Variant type: single nucleotide variant.
Coding change: c.553C>G on transcript NM_174936.4 (MANE Select); coding-DNA position 553, C replaced by G.
Protein change: p.Leu185Val; replaces leucine 185 with valine.
Molecular consequence: missense variant.
Genome position (GRCh38, 1-based): chr1:55,052,307, C>G. VCF-style: chr1-55052307-C-G. GRCh37 (hg19) VCF-style: chr1-55517980-C-G.
Other names: c.676C>G, p.Leu226Val (NM_001407240.1); c.553C>G, p.Leu185Val (NM_001407241.1, NM_001407242.1, NM_001407244.1 and 1 more transcripts); c.496C>G, p.Leu166Val (NM_001407243.1); c.361C>G, p.Leu121Val (NM_001407245.1); c.178C>G, p.Leu60Val (NM_001407246.1); short protein forms L226V, L121V, L166V, L185V, L60V.
Identifiers: ClinVar variation 1932731 (VCV001932731.5), dbSNP rs748846783, ClinGen allele CA043274.

ClinVar aggregate classification (germline): Uncertain significance (1 of 4 stars; one submission).

Conditions:
Hypercholesterolemia, autosomal dominant, 3 (FHCL3). Also called: Familial Hypercholesterolemia, Autosomal Dominant, 3; PCSK9-Related Familial Hypercholesterolemia, Autosomal Dominant; Familial hypercholesterolemia 3. Identifiers: MedGen C1863551, MONDO:0011369, OMIM 603776.

Allele frequency attached by ClinVar (database versions not stated): TOPMed below 0.00001; ExAC 0.00001.

Submission:

Labcorp Genetics (formerly Invitae), Labcorp
Classification: Uncertain significance for Hypercholesterolemia, autosomal dominant, 3. Last evaluated: 2022-05-20. Review status: criteria provided, single submitter. Criteria: Invitae Variant Classification Sherloc (09022015). Collection method: clinical testing. Allele origin: germline.
Comment: This variant has not been reported in the literature in individuals affected with PCSK9-related conditions. In summary, the available evidence is currently insufficient to determine the role of this variant in disease. Therefore, it has been classified as a Variant of Uncertain Significance. Advanced modeling of protein sequence and biophysical properties (such as structural, functional, and spatial information, amino acid conservation, physicochemical variation, residue mobility, and thermodynamic stability) performed at Invitae indicates that this missense variant is not expected to disrupt PCSK9 protein function. This variant is present in population databases (rs748846783, gnomAD 0.01%). This sequence change replaces leucine, which is neutral and non-polar, with valine, which is neutral and non-polar, at codon 185 of the PCSK9 protein (p.Leu185Val).